The following is an entry in ClinVar:

NM_005751.5(AKAP9):c.9376A>G (p.Ile3126Val)

Gene: AKAP9 (A-kinase anchoring protein 9; plus strand). Cytogenetic location: 7q21.2.
Variant type: single nucleotide variant.
Coding change: c.9376A>G on transcript NM_005751.5 (MANE Select); coding-DNA position 9376, A replaced by G.
Protein change: p.Ile3126Val; replaces isoleucine 3126 with valine.
Molecular consequence: missense variant.
Genome position (GRCh38, 1-based): chr7:92,093,114, A>G. VCF-style: chr7-92093114-A-G. GRCh37 (hg19) VCF-style: chr7-91722428-A-G.
Other names: c.4021A>G, p.Ile1341Val (NM_001379277.1); c.9352A>G, p.Ile3118Val (NM_147185.3); short protein forms I1341V, I3118V, I3126V.
Identifiers: ClinVar variation 1391431 (VCV001391431.11), dbSNP rs2130891688, ClinGen allele CA368146487.

ClinVar aggregate classification (germline): Conflicting classifications of pathogenicity. Review status: criteria provided, conflicting classifications (1 of 4 stars). 2 submissions from 2 submitters: Uncertain significance (1); Likely benign (1). Last evaluated 2024-11-13.

Conditions:
Cardiovascular phenotype. Identifiers: MedGen CN230736.
Long QT syndrome (LQTS). Identifiers: MedGen C0023976, MeSH D008133, MONDO:0002442. Disease mechanism: loss of function. Inheritance: Various modes of inheritance.

Allele frequency attached by ClinVar (database versions not stated): gnomAD exomes below 0.00001.
gnomAD v4.1: 1 of 1,613,690 alleles (0.000062%); highest among the groups gnomAD compares: Admixed American, 0.0017%; no homozygotes.

Submissions (2):

Ambry Genetics
Classification: Likely benign for Cardiovascular phenotype. Last evaluated: 2024-11-13. Review status: criteria provided, single submitter. Criteria: Ambry Variant Classification Scheme 2023. Collection method: clinical testing. Allele origin: germline.

Labcorp Genetics (formerly Invitae), Labcorp
Classification: Uncertain significance for Long QT syndrome. Last evaluated: 2023-06-06. Review status: criteria provided, single submitter. Criteria: Invitae Variant Classification Sherloc (09022015). Collection method: clinical testing. Allele origin: germline.
Comment: ClinVar contains an entry for this variant (Variation ID: 1391431). Algorithms developed to predict the effect of missense changes on protein structure and function output the following: SIFT: "Not Available"; PolyPhen-2: "Benign"; Align-GVGD: "Not Available". The valine amino acid residue is found in multiple mammalian species, which suggests that this missense change does not adversely affect protein function. In summary, the available evidence is currently insufficient to determine the role of this variant in disease. Therefore, it has been classified as a Variant of Uncertain Significance. This sequence change replaces isoleucine, which is neutral and non-polar, with valine, which is neutral and non-polar, at codon 3126 of the AKAP9 protein (p.Ile3126Val). This variant is not present in population databases (gnomAD no frequency). This variant has not been reported in the literature in individuals affected with AKAP9-related conditions.